The following is an entry in ClinVar:

NM_000525.4(KCNJ11):c.967dup (p.Asp323fs)

Gene: KCNJ11 (potassium inwardly rectifying channel subfamily J member 11; minus strand). Cytogenetic location: 11p15.1.
Variant type: Duplication.
Coding change: c.967dup on transcript NM_000525.4 (MANE Select); coding-DNA position 967, one base duplicated (G; older notation c.967dupG).
Protein change: p.Asp323fs; shifts the reading frame from aspartic acid 323.
Molecular consequence: frameshift variant.
Genome position (GRCh38, 1-based): chr11:17,387,125, C duplicated on the plus strand (G on the coding strand, the reverse complement: KCNJ11 is on the minus strand); the first of 2 consecutive C bases (chr11:17,387,125-17,387,126); duplicating either gives the same sequence. VCF-style (leftmost placement, unchanged base first): chr11-17387124-T-TC. GRCh37 (hg19) VCF-style: chr11-17408671-T-TC.
Other names: c.706dup, p.Asp236fs (NM_001166290.2, NM_001377296.1, NM_001377297.1); short protein forms D236fs, D323fs.
Identifiers: ClinVar variation 478917 (VCV000478917.3), dbSNP rs1554901596, ClinGen allele CA658656123.

ClinVar aggregate classification (germline): Conflicting classifications of pathogenicity. Review status: criteria provided, conflicting classifications (1 of 4 stars). 2 submissions from 2 submitters: Pathogenic (1); Uncertain significance (1). Last evaluated 2017-08-31.

Conditions:
Maturity-onset diabetes of the young type 13. Also called: MODY, TYPE 13. Identifiers: Orphanet 552, MedGen C4225365, MONDO:0014589, OMIM 616329.
Type 2 diabetes mellitus. Also called: Type II diabetes mellitus. Identifiers: MedGen C0011860, MeSH D003924, MONDO:0005148, OMIM 125853, HP:0005978.
Maturity-onset diabetes of the young (MODY). Also called: Maturity onset diabetes mellitus in young. Identifiers: Orphanet 552, MedGen C0342276, MONDO:0018911, HP:0004904.

Submissions (2):

Shenzhen Institute of Pediatrics, Shenzhen Children's Hospital
Classification: Pathogenic for Maturity-onset diabetes of the young type 13; Type 2 diabetes mellitus. Last evaluated: 2017-08-31. Review status: criteria provided, single submitter. Criteria: ACMG Guidelines, 2015. Collection method: clinical testing. Allele origin: unknown. Inheritance: Autosomal dominant inheritance. Affected: yes. Observed: 1 variant allele, 1 heterozygote.

Clinical Genomics, Uppaluri K&H Personalized Medicine Clinic
Classification: Uncertain significance for Maturity-onset diabetes of the young. Review status: criteria provided, single submitter. Criteria: K&H Uppaluri Personalized Medicine Clinic Variant Classification & Assertion Criteria. Collection method: research. Allele origin: somatic. Inheritance: Autosomal dominant inheritance.
Comment: Mutations in KCNJ11 gene can cause decreased production and secretion of insulin. This can lead to MODY which may be responsive to oral sulfonylureas. It is also associated with with Neonatal Diabetes. However, no sufficient evidence is found to ascertain the role of rs1554901596 variant in MODY yet.

Literature cited by the submitters: PubMed 26448950 (cited by Clinical Genomics, Uppaluri K&H Personalized Medicine Clinic); PubMed 15580558 (cited by Clinical Genomics, Uppaluri K&H Personalized Medicine Clinic); PubMed 15718250 (cited by Clinical Genomics, Uppaluri K&H Personalized Medicine Clinic); PubMed 32935446 (cited by Clinical Genomics, Uppaluri K&H Personalized Medicine Clinic); PubMed 22701567 (cited by Clinical Genomics, Uppaluri K&H Personalized Medicine Clinic).